The following is an entry in ClinVar:

ClinVar aggregate classification (germline): Uncertain significance (1 of 4 stars; one submission).

Conditions:
Hereditary spastic paraplegia 2 (SPG2). Also called: SPASTIC PARAPLEGIA 2, X-LINKED; Spastic Paraplegia 2 (SPG2). Identifiers: Orphanet 99015, MedGen C0751604, MONDO:0010733, OMIM 312920.

Submission:

Labcorp Genetics (formerly Invitae), Labcorp
Classification: Uncertain significance for Hereditary spastic paraplegia 2. Last evaluated: 2018-06-13. Review status: criteria provided, single submitter. Criteria: Invitae Variant Classification Sherloc (09022015). Collection method: clinical testing. Allele origin: germline.
Comment: In summary, the available evidence is currently insufficient to determine the role of this variant in disease. Therefore, it has been classified as a Variant of Uncertain Significance. Algorithms developed to predict the effect of missense changes on protein structure and function are either unavailable or do not agree on the potential impact of this missense change (SIFT: "Deleterious"; PolyPhen-2: "Possibly Damaging"; Align-GVGD: "Class C0"). This variant has not been reported in the literature in individuals with PLP1-related disease. This variant is not present in population databases (ExAC no frequency). This sequence change replaces serine with phenylalanine at codon 134 of the PLP1 protein (p.Ser134Phe). The serine residue is moderately conserved and there is a large physicochemical difference between serine and phenylalanine.

NM_000533.5(PLP1):c.401C>T (p.Ser134Phe)

Genes: PLP1 (proteolipid protein 1; plus strand), RAB9B (RAB9B, member RAS oncogene family; minus strand). Cytogenetic location: Xq22.2.
Variant type: single nucleotide variant.
Coding change: c.401C>T on transcript NM_000533.5 (MANE Select); coding-DNA position 401, C replaced by T.
Protein change: p.Ser134Phe; replaces serine 134 with phenylalanine.
Molecular consequence: missense variant. On other transcripts: intron variant (1).
Genome position (GRCh38, 1-based): chrX:103,786,674, C>T. VCF-style: chrX-103786674-C-T. GRCh37 (hg19) VCF-style: chrX-103041603-C-T.
Other names: c.401C>T, p.Ser134Phe (NM_001128834.3); c.236C>T, p.Ser79Phe (NM_001305004.1); c.348+53C>T (NM_199478.3); short protein forms S134F, S79F.
Identifiers: ClinVar variation 571492 (VCV000571492.8), dbSNP rs1569427673, ClinGen allele CA414102861.